The following is an entry in ClinVar:

NM_001853.4(COL9A3):c.700C>T (p.Arg234Ter)

Gene: COL9A3 (collagen type IX alpha 3 chain; plus strand). Cytogenetic location: 20q13.33.
Variant type: single nucleotide variant.
Coding change: c.700C>T on transcript NM_001853.4 (MANE Select); coding-DNA position 700, C replaced by T.
Protein change: p.Arg234Ter; replaces arginine 234 with a stop codon.
Molecular consequence: nonsense.
Genome position (GRCh38, 1-based): chr20:62,826,219, C>T. VCF-style: chr20-62826219-C-T. GRCh37 (hg19) VCF-style: chr20-61457571-C-T.
Other names: c.700C>T, p.Arg234Ter (LRG_1253t1); short protein forms R234*.
Identifiers: ClinVar variation 632378 (VCV000632378.9), dbSNP rs1027769042, ClinGen allele CA409591904.
Genomic context (GRCh38, chr20:62,826,219, plus strand): 5'-TGGAGGTGCAGCCCCAGCCTCTGCATCTGTGCCTCTCTCTCGCAGGGCCCCCGGGGATTA[C>T]GAGGACTGCCAGGGCCACTCGGGCCCCCTGGGGACCGGGTAAGTCCTGCAGCCCCTAGTG-3'

ClinVar aggregate classification (germline): Conflicting classifications of pathogenicity. Review status: criteria provided, conflicting classifications (1 of 4 stars). 3 submissions from 3 submitters: Pathogenic (1); Likely pathogenic (1); Uncertain significance (1). Last evaluated 2025-12-10.

Conditions:
Epiphyseal dysplasia, multiple, 3 (EDM3). Also called: Epiphyseal dysplasia, multiple, 3, with or without myopathy; COL9A3-Related Multiple Epiphyseal Dysplasia. Identifiers: MedGen C1832998, MONDO:0010964, OMIM 600969.
Inborn genetic diseases. Identifiers: MedGen C0950123, MeSH D030342.

Allele frequency attached by ClinVar (database versions not stated): TOPMed 0.00001.
gnomAD v4.1: 17 of 1,562,558 alleles (0.0011%); highest among the groups gnomAD compares: Admixed American, 0.0019%; no homozygotes.

Submissions (3):

Labcorp Genetics (formerly Invitae), Labcorp
Classification: Pathogenic. Last evaluated: 2025-12-10. Review status: criteria provided, single submitter. Criteria: Invitae Variant Classification Sherloc (09022015). Collection method: clinical testing. Allele origin: germline.
Comment: This sequence change creates a premature translational stop signal (p.Arg234*) in the COL9A3 gene. It is expected to result in an absent or disrupted protein product. Loss-of-function variants in COL9A3 are known to be pathogenic (PMID: 24273071, 31090205). The frequency data for this variant in the population databases is considered unreliable, as metrics indicate poor data quality at this position in the gnomAD database. This variant has not been reported in the literature in individuals affected with COL9A3-related conditions. ClinVar contains an entry for this variant (Variation ID: 632378). For these reasons, this variant has been classified as Pathogenic.

Ambry Genetics
Classification: Uncertain significance for Inborn genetic diseases. Last evaluated: 2023-07-17. Review status: criteria provided, single submitter. Criteria: Ambry Variant Classification Scheme 2023. Collection method: clinical testing. Allele origin: germline.
Comment: The c.700C>T (p.R234*) alteration, located in exon 14 (coding exon 14) of the COL9A3 gene, consists of a C to T substitution at nucleotide position 700. This changes the amino acid from a arginine (R) to a stop codon at amino acid position 234. This alteration is expected to result in premature protein truncation or nonsense-mediated mRNA decay. However, loss of function of COL9A3 has not been established as a mechanism of disease for COL9A3-related multiple epiphyseal dysplasia. Although this variant is expected to be causative of Stickler syndrome when present along with a second pathogenic variant on the other allele, its clinical significance for COL9A3-related multiple epiphyseal dysplasia is unclear. Based on data from gnomAD, the T allele has an overall frequency of 0.002% (4/169576) total alleles studied. The highest observed frequency was 0.007% (2/26716) of Latino alleles. Based on insufficient or conflicting evidence, the clinical significance of this alteration remains unclear.

HudsonAlpha Institute for Biotechnology
Classification: Likely pathogenic for Epiphyseal dysplasia, multiple, 3. Last evaluated: 2019-04-05. Review status: criteria provided, single submitter. Criteria: ACMG Guidelines, 2015. Collection method: research. Allele origin: maternal. Observed: 1 variant allele. Study: CSER-SouthSeq.
Comment: ACMG codes: PVS1, PM2

Literature cited by the submitters: PubMed 24273071 (cited by Labcorp Genetics (formerly Invitae), Labcorp); PubMed 31090205 (cited by Labcorp Genetics (formerly Invitae), Labcorp).